The following is an entry in ClinVar:

NM_001035.3(RYR2):c.8013A>C (p.Ala2671=)

Gene: RYR2 (ryanodine receptor 2; plus strand). Cytogenetic location: 1q43.
Variant type: single nucleotide variant.
Coding change: c.8013A>C on transcript NM_001035.3 (MANE Select); coding-DNA position 8013, A replaced by C.
Protein change: p.Ala2671=; no amino-acid change (alanine 2671 retained).
Molecular consequence: synonymous variant.
Genome position (GRCh38, 1-based): chr1:237,655,868, A>C. VCF-style: chr1-237655868-A-C. GRCh37 (hg19) VCF-style: chr1-237819168-A-C.
Identifiers: ClinVar variation 759781 (VCV000759781.13), dbSNP rs1237709417, ClinGen allele CA423820573.
Genomic context (GRCh38, chr1:237,655,868, plus strand): 5'-CCATTTTTCCCAGAAATATGAACAAGAACTTTTCAAACTGGCACTGCCTTGCCTGAGTGC[A>C]GTTGCGGGAGCTTTGCCTCCAGACTACATGGAGTCAAATTATGTCAGTATGATGGAAAAA-3'
Protein context (NP_001026.2, residues 2661-2681): LFKLALPCLS[Ala2671=]VAGALPPDYM

ClinVar aggregate classification (germline): Likely benign. Review status: criteria provided, multiple submitters, no conflicts (2 of 4 stars). 3 submissions from 3 submitters: Likely benign (3). Last evaluated 2024-03-11.

Conditions:
Cardiovascular phenotype. Identifiers: MedGen CN230736.
Catecholaminergic polymorphic ventricular tachycardia (CVPT). Also called: Catecholamine-induced polymorphic ventricular tachycardia. Identifiers: Orphanet 3286, MedGen C5574922, MONDO:0017990.
Catecholaminergic polymorphic ventricular tachycardia 1. Also called: VENTRICULAR TACHYCARDIA, STRESS-INDUCED POLYMORPHIC 1; VENTRICULAR TACHYCARDIA, CATECHOLAMINERGIC POLYMORPHIC, 1, WITH OR WITHOUT ATRIAL DYSFUNCTION AND/OR DILATED CARDIOMYOPATHY; RYR2-Related Catecholaminergic Polymorphic Ventricular Tachycardia. Identifiers: Orphanet 3286, MedGen C1631597, MONDO:0011484, OMIM 604772.

gnomAD v4.1: 5 of 1,609,282 alleles (0.00031%); highest among the groups gnomAD compares: Non-Finnish European, 0.00042%; no homozygotes.

Submissions (3):

Ambry Genetics
Classification: Likely benign for Cardiovascular phenotype. Last evaluated: 2024-03-11. Review status: criteria provided, single submitter. Criteria: Ambry Variant Classification Scheme 2023. Collection method: clinical testing. Allele origin: germline.

All of Us Research Program, National Institutes of Health
Classification: Likely benign for Catecholaminergic polymorphic ventricular tachycardia. Last evaluated: 2024-02-05. Review status: criteria provided, single submitter. Criteria: ACMG Guidelines, 2015. Collection method: clinical testing. Allele origin: germline. Inheritance: Autosomal dominant inheritance. Observed: 1 variant allele, 1 heterozygote.
Comment: This study involves interpretation of variants in research participants for the purpose of population health screening. Participant phenotype was not available at the time of variant classification. Additional details can be found in publication PMID: 35346344, PMCID: PMC8962531

Labcorp Genetics (formerly Invitae), Labcorp
Classification: Likely benign for Catecholaminergic polymorphic ventricular tachycardia 1. Last evaluated: 2021-04-27. Review status: criteria provided, single submitter. Criteria: Invitae Variant Classification Sherloc (09022015). Collection method: clinical testing. Allele origin: germline.